The following is an entry in ClinVar:

ClinVar aggregate classification (germline): Uncertain significance (1 of 4 stars; one submission).

Conditions:
Rubinstein-Taybi syndrome due to CREBBP mutations (RSTS1). Also called: RUBINSTEIN-TAYBI SYNDROME 1, INCOMPLETE; RUBINSTEIN SYNDROME; Rubinstein-Taybi syndrome 1; CREBBP-Related Rubinstein-Taybi Syndrome; BROAD THUMB-HALLUX SYNDROME; BROAD THUMBS AND GREAT TOES, CHARACTERISTIC FACIES, AND IMPAIRED INTELLECTUAL DEVELOPMENT. Identifiers: Orphanet 353277, Orphanet 783, MedGen C4551859, MONDO:0008393, OMIM 180849.

Submission:

3billion
Classification: Uncertain significance for Rubinstein-Taybi syndrome due to CREBBP mutations. Last evaluated: 2025-07-25. Review status: criteria provided, single submitter. Criteria: ACMG Guidelines, 2015. Collection method: clinical testing. Allele origin: germline. Affected: yes.
Comment: The variant is not observed in the gnomAD v4.1.0 dataset. Predicted Consequence/Location: Missense variant In silico tool predictions suggest damaging effect of the variant on gene or gene product [REVEL: 0.74 (>=0.6, sensitivity 0.68 and specificity 0.92); 3Cnet: 0.97 (> 0.75, sensitivity 0.96 and precision 0.92)]. Therefore, this variant is classified as VUS according to the recommendation of ACMG/AMP guideline.

NM_004380.3(CREBBP):c.1834A>G (p.Ile612Val)

Gene: CREBBP (CREB binding lysine acetyltransferase; minus strand). Cytogenetic location: 16p13.3.
Variant type: single nucleotide variant.
Coding change: c.1834A>G on transcript NM_004380.3 (MANE Select); coding-DNA position 1834, A replaced by G.
Protein change: p.Ile612Val; replaces isoleucine 612 with valine.
Molecular consequence: missense variant.
Genome position (GRCh38, 1-based): chr16:3,778,807, T>C on the plus strand (A>G on the coding strand, the complement: CREBBP is on the minus strand). VCF-style: chr16-3778807-T-C. GRCh37 (hg19) VCF-style: chr16-3828808-T-C.
Other names: c.1720A>G, p.Ile574Val (NM_001079846.1); short protein forms I574V, I612V.
Identifiers: ClinVar variation 4855125 (VCV004855125.1).